The following is an entry in ClinVar:

ClinVar aggregate classification (germline): Uncertain significance. Review status: criteria provided, multiple submitters, no conflicts (2 of 4 stars). 2 submissions from 2 submitters: Uncertain significance (2). Last evaluated 2025-04-03.

Conditions:
Hereditary cancer-predisposing syndrome. Also called: Tumor predisposition; Neoplastic Syndromes, Hereditary; Hereditary neoplastic syndrome; Hereditary Cancer Syndrome. Identifiers: Orphanet 140162, MedGen C0027672, MeSH D009386, MONDO:0015356.
EGFR-related lung cancer (EGFR). Identifiers: MedGen CN130014.

Allele frequency attached by ClinVar (database versions not stated): gnomAD exomes below 0.00001; TOPMed below 0.00001.
gnomAD v4.1: 1 of 1,614,184 alleles (0.000062%); highest among the groups gnomAD compares: Non-Finnish European, 0.000085%; no homozygotes.

Submissions (2):

Labcorp Genetics (formerly Invitae), Labcorp
Classification: Uncertain significance for EGFR-related lung cancer. Last evaluated: 2025-04-03. Review status: criteria provided, single submitter. Criteria: Invitae Variant Classification Sherloc (09022015). Collection method: clinical testing. Allele origin: germline.
Comment: This sequence change replaces isoleucine, which is neutral and non-polar, with valine, which is neutral and non-polar, at codon 946 of the EGFR protein (p.Ile946Val). This variant is present in population databases (no rsID available, gnomAD 0.0009%). This variant has not been reported in the literature in individuals affected with EGFR-related conditions. ClinVar contains an entry for this variant (Variation ID: 1018590). Invitae Evidence Modeling of protein sequence and biophysical properties (such as structural, functional, and spatial information, amino acid conservation, physicochemical variation, residue mobility, and thermodynamic stability) indicates that this missense variant is not expected to disrupt EGFR protein function with a negative predictive value of 80%. In summary, the available evidence is currently insufficient to determine the role of this variant in disease. Therefore, it has been classified as a Variant of Uncertain Significance.

Ambry Genetics
Classification: Uncertain significance for Hereditary cancer-predisposing syndrome. Last evaluated: 2025-01-25. Review status: criteria provided, single submitter. Criteria: Ambry Variant Classification Scheme 2023. Collection method: clinical testing. Allele origin: germline.
Comment: The p.I946V variant (also known as c.2836A>G), located in coding exon 23 of the EGFR gene, results from an A to G substitution at nucleotide position 2836. The isoleucine at codon 946 is replaced by valine, an amino acid with highly similar properties. This amino acid position is conserved. In addition, this alteration is predicted to be tolerated by in silico analysis. Based on the available evidence, the clinical significance of this variant remains unclear.

NM_005228.5(EGFR):c.2836A>G (p.Ile946Val)

Gene: EGFR (epidermal growth factor receptor; plus strand). Cytogenetic location: 7p11.2.
Variant type: single nucleotide variant.
Coding change: c.2836A>G on transcript NM_005228.5 (MANE Select); coding-DNA position 2836, A replaced by G.
Protein change: p.Ile946Val; replaces isoleucine 946 with valine.
Molecular consequence: missense variant.
Genome position (GRCh38, 1-based): chr7:55,198,851, A>G. VCF-style: chr7-55198851-A-G. GRCh37 (hg19) VCF-style: chr7-55266544-A-G.
Other names: c.2701A>G, p.Ile901Val (NM_001346897.2, NM_001346899.2); c.2836A>G, p.Ile946Val (NM_001346898.2); c.2677A>G, p.Ile893Val (NM_001346900.2); c.2035A>G, p.Ile679Val (NM_001346941.2); c.2836A>G (NM_005228.3); short protein forms I679V, I893V, I901V, I946V.
Identifiers: ClinVar variation 1018590 (VCV001018590.11), dbSNP rs1169803481, ClinGen allele CA367581468.